The following is an entry in ClinVar:

NM_000501.4(ELN):c.391C>T (p.Gln131Ter)

Gene: ELN (elastin; plus strand). Cytogenetic location: 7q11.23.
Variant type: single nucleotide variant.
Coding change: c.391C>T on transcript NM_000501.4 (MANE Select); coding-DNA position 391, C replaced by T.
Protein change: p.Gln131Ter; replaces glutamine 131 with a stop codon.
Molecular consequence: nonsense.
Genome position (GRCh38, 1-based): chr7:74,043,132, C>T. VCF-style: chr7-74043132-C-T. GRCh37 (hg19) VCF-style: chr7-73457462-C-T.
Other names: c.361C>T, p.Gln121Ter (NM_001081752.3, NM_001278917.2, NM_001278918.2); c.406C>T, p.Gln136Ter (NM_001081753.3, NM_001081754.3); c.391C>T, p.Gln131Ter (NM_001081755.3, NM_001278912.2, NM_001278915.2 and 2 more transcripts); c.355C>T, p.Gln119Ter (NM_001278913.2); c.376C>T, p.Gln126Ter (NM_001278914.2); short protein forms Q131*, Q136*, Q126*, Q119*, Q121*.
Identifiers: ClinVar variation 852728 (VCV000852728.11), dbSNP rs1791626037, ClinGen allele CA367869505.

ClinVar aggregate classification (germline): Pathogenic. Review status: criteria provided, multiple submitters, no conflicts (2 of 4 stars). 3 submissions from 3 submitters: Pathogenic (3). Last evaluated 2025-07-14.

Conditions:
Inborn genetic diseases. Identifiers: MedGen C0950123, MeSH D030342.
Supravalvar aortic stenosis (SVAS). Also called: Supravalvar aortic stenosis, Eisenberg type. Identifiers: Orphanet 3193, MedGen C0003499, MONDO:0008504, OMIM 185500, HP:0004381.

Submissions (3):

Ambry Genetics
Classification: Pathogenic for Inborn genetic diseases. Last evaluated: 2025-07-14. Review status: criteria provided, single submitter. Criteria: Ambry Variant Classification Scheme 2023. Collection method: clinical testing. Allele origin: germline.
Comment: The c.391C>T (p.Q131*) alteration, located in exon 8 (coding exon 8) of the ELN gene, consists of a C to T substitution at nucleotide position 391. This changes the amino acid from a glutamine (Q) to a stop codon at amino acid position 131. This alteration is expected to result in loss of function by premature protein truncation or nonsense-mediated mRNA decay for autosomal dominant supravalvar aortic stenosis. ; however, its clinical significance for autosomal dominant ELN-related cutis laxa is uncertain. This variant was not reported in population-based cohorts in the Genome Aggregation Database (gnomAD). Based on the available evidence, this alteration is classified as pathogenic.

GeneDx
Classification: Pathogenic. Last evaluated: 2021-02-23. Review status: criteria provided, single submitter. Criteria: GeneDx Variant Classification Process June 2021. Collection method: clinical testing. Allele origin: germline. Affected: yes.

Labcorp Genetics (formerly Invitae), Labcorp
Classification: Pathogenic for Supravalvar aortic stenosis. Last evaluated: 2019-12-03. Review status: criteria provided, single submitter. Criteria: Invitae Variant Classification Sherloc (09022015). Collection method: clinical testing. Allele origin: germline.
Comment: This variant is not present in population databases (ExAC no frequency). This sequence change creates a premature translational stop signal (p.Gln131*) in the ELN gene. It is expected to result in an absent or disrupted protein product. This variant has not been reported in the literature in individuals with ELN-related conditions. For these reasons, this variant has been classified as Pathogenic. Loss-of-function variants in ELN are known to be pathogenic (PMID: 11175284).

Literature cited by the submitters: PubMed 11175284 (cited by Labcorp Genetics (formerly Invitae), Labcorp).